The following is an entry in ClinVar:

ClinVar aggregate classification (germline): Conflicting classifications of pathogenicity. Review status: criteria provided, conflicting classifications (1 of 4 stars). 6 submissions from 6 submitters: Uncertain significance (4); Likely benign (2). Last evaluated 2026-04-23.

Conditions:
Cardiovascular phenotype. Identifiers: MedGen CN230736.
Long QT syndrome (LQTS). Identifiers: MedGen C0023976, MeSH D008133, MONDO:0002442. Disease mechanism: loss of function. Inheritance: Various modes of inheritance.
Cardiac arrhythmia, ankyrin-B-related. Also called: ANKYRIN-B SYNDROME. Identifiers: Orphanet 101016, Orphanet 768, MedGen C1970119, MONDO:0010958, OMIM 600919.

Allele frequency attached by ClinVar (database versions not stated): gnomAD exomes 0.00009 and 0.00031; TOPMed 0.00009; ExAC 0.00012; gnomAD 0.00014 and 0.00015; ESP Exome Variant Server 0.00015.
gnomAD v4.1: 461 of 1,614,000 alleles (0.029%); highest among the groups gnomAD compares: Non-Finnish European, 0.038%; no homozygotes.

Submissions (6):

Ambry Genetics
Classification: Likely benign for Cardiovascular phenotype. Last evaluated: 2026-04-23. Review status: criteria provided, single submitter. Criteria: Ambry Variant Classification Scheme 2023. Collection method: clinical testing. Allele origin: germline.

Labcorp Genetics (formerly Invitae), Labcorp
Classification: Uncertain significance for Long QT syndrome. Last evaluated: 2025-12-21. Review status: criteria provided, single submitter. Criteria: Invitae Variant Classification Sherloc (09022015). Collection method: clinical testing. Allele origin: germline.
Comment: This sequence change replaces serine, which is neutral and polar, with leucine, which is neutral and non-polar, at codon 1884 of the ANK2 protein (p.Ser1884Leu). This variant is present in population databases (rs150737736, gnomAD 0.02%). This variant has not been reported in the literature in individuals affected with ANK2-related conditions. ClinVar contains an entry for this variant (Variation ID: 238583). Invitae Evidence Modeling of protein sequence and biophysical properties (such as structural, functional, and spatial information, amino acid conservation, physicochemical variation, residue mobility, and thermodynamic stability) indicates that this missense variant is not expected to disrupt ANK2 protein function with a negative predictive value of 80%. In summary, the available evidence is currently insufficient to determine the role of this variant in disease. Therefore, it has been classified as a Variant of Uncertain Significance.

Blueprint Genetics
Classification: Likely benign. Last evaluated: 2023-12-19. Review status: criteria provided, single submitter. Criteria: ACMG Guidelines, 2015. Collection method: clinical testing. Allele origin: germline.

GeneDx
Classification: Uncertain significance. Last evaluated: 2022-02-14. Review status: criteria provided, single submitter. Criteria: GeneDx Variant Classification Process June 2021. Collection method: clinical testing. Allele origin: germline. Affected: yes.
Comment: Reported in association with HCM (Lopes et al., 2015); In silico analysis supports that this missense variant does not alter protein structure/function; Located in exon 38, which is reported as being expressed in a brain-specific transcript (Otto et al, 1991; Cunha et al, 2008; Wu et al, 2015); This variant is associated with the following publications: (PMID: 25351510)

Fulgent Genetics
Classification: Uncertain significance for Cardiac arrhythmia, ankyrin-B-related. Last evaluated: 2021-08-09. Review status: criteria provided, single submitter. Criteria: ACMG Guidelines, 2015. Collection method: clinical testing. Allele origin: unknown.

Stanford Center for Inherited Cardiovascular Disease, Stanford University
Classification: Uncertain significance. Last evaluated: 2016-12-13. Review status: criteria provided, single submitter. Criteria: ACMG Guidelines, 2015. Collection method: provider interpretation. Allele origin: germline.

NM_001148.6(ANK2):c.5651C>T (p.Ser1884Leu)

Genes: ANK2 (ankyrin 2; plus strand), LOC126807136 (MED14-independent group 3 enhancer GRCh37_chr4:114274931-114276130; plus strand). Cytogenetic location: 4q26.
Variant type: single nucleotide variant.
Coding change: c.5651C>T on transcript NM_001148.6 (MANE Select); coding-DNA position 5651, C replaced by T.
Protein change: p.Ser1884Leu; replaces serine 1884 with leucine.
Molecular consequence: missense variant. On other transcripts: intron variant (68).
Genome position (GRCh38, 1-based): chr4:113,354,269, C>T. VCF-style: chr4-113354269-C-T. GRCh37 (hg19) VCF-style: chr4-114275425-C-T.
Other names: c.5417C>T, p.Ser1806Leu (NM_001386142.1); c.2051C>T, p.Ser684Leu (NM_001386166.1); c.5792C>T, p.Ser1931Leu (NM_001386174.1); c.5768C>T, p.Ser1923Leu (NM_001386175.1); c.4411+4020C>T (NM_001386186.2, NM_001386148.2); c.4213+4020C>T (NM_001354269.3); c.4291+4020C>T (NM_001386187.2); c.4252+4020C>T (NM_001386147.1); and 35 more; short protein forms S1884L, S1806L, S1923L, S1931L, S684L.
Identifiers: ClinVar variation 238583 (VCV000238583.19), dbSNP rs150737736, ClinGen allele CA3051269.